The following is an entry in ClinVar:

NM_001378615.1(CC2D2A):c.4090G>A (p.Asp1364Asn)

Genes: CC2D2A (coiled-coil and C2 domain containing 2A; plus strand), FBXL5 (F-box and leucine rich repeat protein 5; minus strand). Cytogenetic location: 4p15.32.
Variant type: single nucleotide variant.
Coding change: c.4090G>A on transcript NM_001378615.1 (MANE Select); coding-DNA position 4090, G replaced by A.
Protein change: p.Asp1364Asn; replaces aspartic acid 1364 with asparagine.
Molecular consequence: missense variant.
Genome position (GRCh38, 1-based): chr4:15,587,840, G>A. VCF-style: chr4-15587840-G-A. GRCh37 (hg19) VCF-style: chr4-15589463-G-A.
Other names: c.4090G>A, p.Asp1364Asn (NM_001080522.2); c.3943G>A, p.Asp1315Asn (NM_001378617.1); short protein forms D1364N, D1315N.
Identifiers: ClinVar variation 1520135 (VCV001520135.4), dbSNP rs768130176, ClinGen allele CA356428745.

ClinVar aggregate classification (germline): Uncertain significance. Review status: criteria provided, multiple submitters, no conflicts (2 of 4 stars). 2 submissions from 2 submitters: Uncertain significance (2). Last evaluated 2026-02-20.

Conditions:
CC2D2A-related disorder. Also called: CC2D2A-related disorders; CC2D2A-related condition. Identifiers: MedGen CN239313.
Joubert syndrome. Also called: JOUBERT-BOLTSHAUSER SYNDROME; Familial aplasia of the vermis. Identifiers: Orphanet 475, MedGen C5979921, MONDO:0018772.
Meckel-Gruber syndrome. Also called: DYSENCEPHALIA SPLANCHNOCYSTICA; GRUBER SYNDROME; Dysencephalia splachnocystica. Identifiers: Orphanet 564, MedGen C0265215, MONDO:0018921.

gnomAD v4.1: 2 of 1,612,450 alleles (0.00012%); highest among the groups gnomAD compares: African/African-American, 0.0013%; no homozygotes.

Submissions (2):

PreventionGenetics, part of Exact Sciences
Classification: Uncertain significance for CC2D2A-related condition. Last evaluated: 2026-02-20. Review status: criteria provided, single submitter. Criteria: ACMG Guidelines, 2015. Collection method: clinical testing. Allele origin: germline.
Comment: The CC2D2A c.4090G>A variant is predicted to result in the amino acid substitution p.Asp1364Asn. To our knowledge, this variant has not been reported in the literature or in a large population database (gnomAD), indicating this variant is rare. At this time, the clinical significance of this variant is uncertain due to the absence of conclusive functional and genetic evidence.

Labcorp Genetics (formerly Invitae), Labcorp
Classification: Uncertain significance for Joubert syndrome; Meckel-Gruber syndrome. Last evaluated: 2022-03-18. Review status: criteria provided, single submitter. Criteria: Invitae Variant Classification Sherloc (09022015). Collection method: clinical testing. Allele origin: germline.
Comment: This sequence change replaces aspartic acid, which is acidic and polar, with asparagine, which is neutral and polar, at codon 1364 of the CC2D2A protein (p.Asp1364Asn). This variant is not present in population databases (gnomAD no frequency). This variant has not been reported in the literature in individuals affected with CC2D2A-related conditions. Algorithms developed to predict the effect of missense changes on protein structure and function are either unavailable or do not agree on the potential impact of this missense change (SIFT: "Tolerated"; PolyPhen-2: "Possibly Damaging"; Align-GVGD: "Class C0"). In summary, the available evidence is currently insufficient to determine the role of this variant in disease. Therefore, it has been classified as a Variant of Uncertain Significance.